The following is an entry in ClinVar:

ClinVar aggregate classification (germline): Uncertain significance (1 of 4 stars; one submission).

gnomAD v4.1: 6 of 1,607,140 alleles (0.00037%); highest among the groups gnomAD compares: Non-Finnish European, 0.00051%; no homozygotes.

Submission:

Labcorp Genetics (formerly Invitae), Labcorp
Classification: Uncertain significance. Last evaluated: 2024-06-17. Review status: criteria provided, single submitter. Criteria: Invitae Variant Classification Sherloc (09022015). Collection method: clinical testing. Allele origin: germline.
Comment: This sequence change falls in intron 10 of the GRIN2D gene. It does not directly change the encoded amino acid sequence of the GRIN2D protein. It affects a nucleotide within the consensus splice site. This variant is present in population databases (no rsID available, gnomAD 0.0009%). This variant has not been reported in the literature in individuals affected with GRIN2D-related conditions. Variants that disrupt the consensus splice site are a relatively common cause of aberrant splicing (PMID: 17576681, 9536098). Algorithms developed to predict the effect of sequence changes on RNA splicing suggest that this variant is not likely to affect RNA splicing. In summary, the available evidence is currently insufficient to determine the role of this variant in disease. Therefore, it has been classified as a Variant of Uncertain Significance.

Literature cited by the submitters: PubMed 17576681; PubMed 9536098.

NM_000836.4(GRIN2D):c.2253-3C>T

Gene: GRIN2D (glutamate ionotropic receptor NMDA type subunit 2D; plus strand). Cytogenetic location: 19q13.33.
Variant type: single nucleotide variant.
Coding change: c.2253-3C>T on transcript NM_000836.4 (MANE Select); 3 bases into the intron before coding-DNA position 2253, C replaced by T.
Molecular consequence: intron variant.
Genome position (GRCh38, 1-based): chr19:48,441,766, C>T. VCF-style: chr19-48441766-C-T. GRCh37 (hg19) VCF-style: chr19-48945023-C-T.
Identifiers: ClinVar variation 3622439 (VCV003622439.2).
Genomic context (GRCh38, chr19:48,441,766, plus strand): 5'-CAGGCCTGGCGGCCAGGGCATCTAGGTGGGACTGACCCTACCCTCCATTCCCCCTCCCCC[C>T]AGGAAGCTGGACGCCTTCATCTACGATGCTGCAGTGCTCAATTACATGGCCCGCAAGGAC-3'